The following is an entry in ClinVar:

ClinVar aggregate classification (germline): Uncertain significance (1 of 4 stars; one submission).

Submission:

Ambry Genetics
Classification: Uncertain significance. Last evaluated: 2025-10-22. Review status: criteria provided, single submitter. Criteria: Ambry Variant Classification Scheme 2023. Collection method: clinical testing. Allele origin: germline.
Comment: The p.T959R variant (also known as c.2876C>G), located in coding exon 1 of the MLH3 gene, results from a C to G substitution at nucleotide position 2876. The threonine at codon 959 is replaced by arginine, an amino acid with similar properties. This amino acid position is conserved. In addition, this alteration is predicted to be tolerated by in silico analysis. Since supporting evidence is limited at this time, the clinical significance of this alteration remains unclear.

NM_001040108.2(MLH3):c.2876C>G (p.Thr959Arg)

Gene: MLH3 (mutL homolog 3; minus strand). Cytogenetic location: 14q24.3.
Variant type: single nucleotide variant.
Coding change: c.2876C>G on transcript NM_001040108.2 (MANE Select); coding-DNA position 2876, C replaced by G.
Protein change: p.Thr959Arg; replaces threonine 959 with arginine.
Molecular consequence: missense variant.
Genome position (GRCh38, 1-based): chr14:75,046,780, G>C on the plus strand (C>G on the coding strand, the complement: MLH3 is on the minus strand). VCF-style: chr14-75046780-G-C. GRCh37 (hg19) VCF-style: chr14-75513483-G-C.
Other names: c.2876C>G, p.Thr959Arg (NM_014381.3); short protein forms T959R.
Identifiers: ClinVar variation 1797100 (VCV001797100.3), dbSNP rs2139553896, ClinGen allele CA390437850.